The following is an entry in ClinVar:

NM_194293.4(XIRP1):c.1926G>A (p.Arg642=)

Gene: XIRP1 (xin actin binding repeat containing 1; minus strand). Cytogenetic location: 3p22.2.
Variant type: single nucleotide variant.
Coding change: c.1926G>A on transcript NM_194293.4 (MANE Select); coding-DNA position 1926, G replaced by A.
Protein change: p.Arg642=; no amino-acid change (arginine 642 retained).
Molecular consequence: synonymous variant. On other transcripts: intron variant (1).
Genome position (GRCh38, 1-based): chr3:39,187,520, C>T on the plus strand (G>A on the coding strand, the complement: XIRP1 is on the minus strand). VCF-style: chr3-39187520-C-T. GRCh37 (hg19) VCF-style: chr3-39229011-C-T.
Other names: c.1926G>A, p.Arg642= (NM_001198621.4); c.-167-1859G>A (NM_001351377.2).
Identifiers: ClinVar variation 781708 (VCV000781708.30), dbSNP rs74827471, ClinGen allele CA2326401.

ClinVar aggregate classification (germline): Benign. Review status: criteria provided, multiple submitters, no conflicts (2 of 4 stars). 4 submissions from 4 submitters: Benign (3). 1 of the submissions does not count toward it. Last evaluated 2023-01-01.

Conditions:
XIRP1-related disorder. Also called: XIRP1-related condition.

Allele frequency attached by ClinVar (database versions not stated): 1000 Genomes Project 0.00379; 1000 Genomes Project 30x 0.00500; ExAC 0.00714; gnomAD 0.00740 and 0.00759; gnomAD exomes 0.00772; TOPMed 0.00818; ESP Exome Variant Server 0.00992.
gnomAD v4.1: 15,788 of 1,614,068 alleles (0.98%); highest among the groups gnomAD compares: Non-Finnish European, 1.1%; 107 homozygotes.

Submissions (4):

CeGaT Center for Human Genetics Tuebingen
Classification: Benign. Last evaluated: 2023-01-01. Review status: criteria provided, single submitter. Criteria: CeGaT Center For Human Genetics Tuebingen Variant Classification Criteria Version 2. Collection method: clinical testing. Allele origin: germline. Affected: yes. Observed: 1 variant allele.
Comment: XIRP1: BP4, BP7, BS1, BS2

Labcorp Genetics (formerly Invitae), Labcorp
Classification: Benign. Last evaluated: 2019-12-31. Review status: criteria provided, single submitter. Criteria: Invitae Variant Classification Sherloc (09022015). Collection method: clinical testing. Allele origin: germline.

Breakthrough Genomics
Classification: Benign. Review status: criteria provided, single submitter. Criteria: ACMG Guidelines, 2015. Collection method: not provided. Allele origin: germline. Inheritance: Unknown mechanism. Affected: yes.

PreventionGenetics, part of Exact Sciences
Classification: Benign for XIRP1-related condition. Last evaluated: 2019-06-12. Review status: no assertion criteria provided. Collection method: clinical testing. Allele origin: germline. Not counted in ClinVar's aggregate classification.
Comment: This variant is classified as benign based on ACMG/AMP sequence variant interpretation guidelines (Richards et al. 2015 PMID: 25741868, with internal and published modifications).